The following is an entry in ClinVar:

NM_002474.3(MYH11):c.4131G>T (p.Lys1377Asn)

Genes: MYH11 (myosin heavy chain 11; minus strand), NDE1 (nudE neurodevelopment protein 1; plus strand). Cytogenetic location: 16p13.11.
Variant type: single nucleotide variant.
Coding change: c.4131G>T on transcript NM_002474.3 (MANE Select); coding-DNA position 4131, G replaced by T.
Protein change: p.Lys1377Asn; replaces lysine 1377 with asparagine.
Molecular consequence: missense variant. On other transcripts: 3 prime UTR variant (2).
Genome position (GRCh38, 1-based): chr16:15,724,395, C>A on the plus strand (G>T on the coding strand, the complement: MYH11 is on the minus strand). VCF-style: chr16-15724395-C-A. GRCh37 (hg19) VCF-style: chr16-15818252-C-A.
Other names: c.4152G>T, p.Lys1384Asn (NM_001040113.2, NM_001040114.2); c.4131G>T, p.Lys1377Asn (NM_022844.3); c.*144C>A (NM_001143979.2, NM_017668.3); short protein forms K1384N, K1377N.
Identifiers: ClinVar variation 4088232 (VCV004088232.1).

ClinVar aggregate classification (germline): Uncertain significance (1 of 4 stars; one submission).

gnomAD v4.1: 2 of 1,613,890 alleles (0.00012%); highest among the groups gnomAD compares: African/African-American, 0.0027%; no homozygotes.

Submission:

GeneDx
Classification: Uncertain significance. Last evaluated: 2025-03-27. Review status: criteria provided, single submitter. Criteria: GeneDx Variant Classification Process June 2021. Collection method: clinical testing. Allele origin: germline. Affected: yes.
Comment: Not observed at significant frequency in large population cohorts (gnomAD); In silico analysis supports that this missense variant has a deleterious effect on protein structure/function; Has not been previously published as pathogenic or benign to our knowledge